The following is an entry in ClinVar:

ClinVar aggregate classification (germline): Uncertain significance (1 of 4 stars; one submission).

Submission:

Labcorp Genetics (formerly Invitae), Labcorp
Classification: Uncertain significance. Last evaluated: 2022-06-06. Review status: criteria provided, single submitter. Criteria: Invitae Variant Classification Sherloc (09022015). Collection method: clinical testing. Allele origin: germline.
Comment: In summary, the available evidence is currently insufficient to determine the role of this variant in disease. Therefore, it has been classified as a Variant of Uncertain Significance. Experimental studies and prediction algorithms are not available or were not evaluated, and the functional significance of this variant is currently unknown. This variant, c.4989_4991del, results in the deletion of 1 amino acid(s) of the SNRNP200 protein (p.Ile1663del), but otherwise preserves the integrity of the reading frame. This variant is present in population databases (no rsID available, gnomAD 0.0009%). This variant has not been reported in the literature in individuals affected with SNRNP200-related conditions.

NM_014014.5(SNRNP200):c.4986CAT[1] (p.Ile1663del)

Gene: SNRNP200 (small nuclear ribonucleoprotein U5 subunit 200; minus strand). Cytogenetic location: 2q11.2.
Variant type: Microsatellite.
Coding change: c.4986CAT[1] on transcript NM_014014.5 (MANE Select); one copy of the 3-base unit CAT starting at c.4986; the reference has two copies in a row; one copy, 3 bases deleted.
Protein change: p.Ile1663del; deletes isoleucine 1663.
Molecular consequence: inframe deletion.
Genome position (GRCh38, 1-based): chr2:96,281,847-96,281,849, ATG deleted on the plus strand (CAT on the coding strand, the reverse complement: SNRNP200 is on the minus strand); deleting any 3 consecutive bases within chr2:96,281,847-96,281,854 gives the same sequence; the position shown is the placement nearest the transcript's 3' end. VCF-style (leftmost placement, unchanged base first): chr2-96281846-CATG-C. GRCh37 (hg19) VCF-style: chr2-96947584-CATG-C.
Other names: short protein forms I1663del.
Identifiers: ClinVar variation 2002516 (VCV002002516.4), dbSNP rs1434410149, ClinGen allele CA534374161.